The following is an entry in ClinVar:

NM_005033.3(EXOSC9):c.769A>G (p.Lys257Glu)

Gene: EXOSC9 (exosome component 9; plus strand). Cytogenetic location: 4q27.
Variant type: single nucleotide variant.
Coding change: c.769A>G on transcript NM_005033.3 (MANE Select); coding-DNA position 769, A replaced by G.
Protein change: p.Lys257Glu; replaces lysine 257 with glutamic acid.
Molecular consequence: missense variant.
Genome position (GRCh38, 1-based): chr4:121,811,613, A>G. VCF-style: chr4-121811613-A-G. GRCh37 (hg19) VCF-style: chr4-122732768-A-G.
Other names: c.769A>G, p.Lys257Glu (NM_001034194.2); short protein forms K257E.
Identifiers: ClinVar variation 2419018 (VCV002419018.4), dbSNP rs142139266, ClinGen allele CA3063525.

ClinVar aggregate classification (germline): Uncertain significance (1 of 4 stars; one submission).

Allele frequency attached by ClinVar (database versions not stated): gnomAD exomes 0.00001; ExAC 0.00007; gnomAD 0.00013; 1000 Genomes Project 30x 0.00016; TOPMed 0.00017; 1000 Genomes Project 0.00020; ESP Exome Variant Server 0.00031.

Submission:

Labcorp Genetics (formerly Invitae), Labcorp
Classification: Uncertain significance. Last evaluated: 2024-01-02. Review status: criteria provided, single submitter. Criteria: Invitae Variant Classification Sherloc (09022015). Collection method: clinical testing. Allele origin: germline.
Comment: This sequence change replaces lysine, which is basic and polar, with glutamic acid, which is acidic and polar, at codon 257 of the EXOSC9 protein (p.Lys257Glu). This variant is present in population databases (rs142139266, gnomAD 0.07%). This variant has not been reported in the literature in individuals affected with EXOSC9-related conditions. ClinVar contains an entry for this variant (Variation ID: 2419018). Advanced modeling of protein sequence and biophysical properties (such as structural, functional, and spatial information, amino acid conservation, physicochemical variation, residue mobility, and thermodynamic stability) performed at Invitae indicates that this missense variant is expected to disrupt EXOSC9 protein function with a positive predictive value of 80%. In summary, the available evidence is currently insufficient to determine the role of this variant in disease. Therefore, it has been classified as a Variant of Uncertain Significance.